The following is an entry in ClinVar:

ClinVar aggregate classification (germline): Uncertain significance (1 of 4 stars; one submission).

Conditions:
Cardiovascular phenotype. Identifiers: MedGen CN230736.

gnomAD v4.1: 1 of 1,408,256 alleles (0.000071%); highest among the groups gnomAD compares: East Asian, 0.0032%; no homozygotes.

Submission:

Ambry Genetics
Classification: Uncertain significance for Cardiovascular phenotype. Last evaluated: 2026-05-24. Review status: criteria provided, single submitter. Criteria: Ambry Variant Classification Scheme 2023. Collection method: clinical testing. Allele origin: germline.
Comment: The p.F248L variant (also known as c.744C>A), located in coding exon 5 of the PRKAG2 gene, results from a C to A substitution at nucleotide position 744. The phenylalanine at codon 248 is replaced by leucine, an amino acid with highly similar properties. This amino acid position is conserved. In addition, this alteration is predicted to be tolerated by in silico analysis. Based on the available evidence, the clinical significance of this variant remains unclear.

NM_016203.4(PRKAG2):c.744C>A (p.Phe248Leu)

Genes: PRKAG2 (protein kinase AMP-activated non-catalytic subunit gamma 2; minus strand), LOC129999660 (ATAC-STARR-seq lymphoblastoid silent region 18823; plus strand). Cytogenetic location: 7q36.1.
Variant type: single nucleotide variant.
Coding change: c.744C>A on transcript NM_016203.4 (MANE Select); coding-DNA position 744, C replaced by A.
Protein change: p.Phe248Leu; replaces phenylalanine 248 with leucine.
Molecular consequence: missense variant. On other transcripts: intron variant (3).
Genome position (GRCh38, 1-based): chr7:151,632,079, G>T on the plus strand (C>A on the coding strand, the complement: PRKAG2 is on the minus strand). VCF-style: chr7-151632079-G-T. GRCh37 (hg19) VCF-style: chr7-151329165-G-T.
Other names: c.744C>A, p.Phe248Leu (NM_001407021.1, NM_001407022.1, NM_001407023.1); c.612C>A, p.Phe204Leu (NM_001407024.1, NM_001407026.1, NM_001407027.1 and 1 more transcripts); c.372C>A, p.Phe124Leu (NM_001407028.1, NM_001407029.1, NM_001304527.2 and 1 more transcripts); c.426C>A, p.Phe142Leu (NM_001407032.1); c.420C>A, p.Phe140Leu (NM_001407033.1); c.21C>A, p.Phe7Leu (NM_001407034.1, NM_001407035.1, NM_001407036.1 and 4 more transcripts); c.72C>A, p.Phe24Leu (NM_001407038.1); c.467-36628C>A (NM_001407031.1); and 2 more; short protein forms F124L, F140L, F142L, F204L, F248L, F24L, F7L.
Identifiers: ClinVar variation 4862499 (VCV004862499.1).